The following is an entry in ClinVar:

ClinVar aggregate classification (germline): Conflicting classifications of pathogenicity. Review status: criteria provided, conflicting classifications (1 of 4 stars). 4 submissions from 4 submitters: Uncertain significance (3); Likely benign (1). Last evaluated 2025-04-14.

Conditions:
Familial hypokalemia-hypomagnesemia (GTLMNS). Also called: gitelman syndrome; HYPOMAGNESEMIA-HYPOKALEMIA, PRIMARY RENOTUBULAR, WITH HYPOCALCIURIA; POTASSIUM AND MAGNESIUM DEPLETION. Identifiers: Orphanet 358, MedGen C0268450, MONDO:0009904, OMIM 263800.

Allele frequency attached by ClinVar (database versions not stated): gnomAD 0.00005 and 0.00013; TOPMed 0.00006; ESP Exome Variant Server 0.00008; ExAC 0.00012; gnomAD exomes 0.00012; 1000 Genomes Project 30x 0.00062; 1000 Genomes Project 0.00080.
gnomAD v4.1: 141 of 1,613,938 alleles (0.0087%); highest among the groups gnomAD compares: South Asian, 0.087%; no homozygotes.

Submissions (4):

Labcorp Genetics (formerly Invitae), Labcorp
Classification: Likely benign. Last evaluated: 2025-04-14. Review status: criteria provided, single submitter. Criteria: Invitae Variant Classification Sherloc (09022015). Collection method: clinical testing. Allele origin: germline.

GeneDx
Classification: Uncertain significance. Last evaluated: 2024-02-07. Review status: criteria provided, single submitter. Criteria: GeneDx Variant Classification Process June 2021. Collection method: clinical testing. Allele origin: germline. Affected: yes.
Comment: In silico analysis supports that this missense variant does not alter protein structure/function; Has not been previously published as pathogenic or benign to our knowledge

Genome-Nilou Lab
Classification: Uncertain significance for Familial hypokalemia-hypomagnesemia. Last evaluated: 2021-07-15. Review status: criteria provided, single submitter. Criteria: ACMG Guidelines, 2015. Collection method: clinical testing. Allele origin: germline. Affected: no.

Illumina Laboratory Services, Illumina
Classification: Uncertain significance for Familial hypokalemia-hypomagnesemia. Last evaluated: 2018-01-13. Review status: criteria provided, single submitter. Criteria: ICSL Variant Classification Criteria 13 December 2019. Collection method: clinical testing. Allele origin: germline.

NM_001126108.2(SLC12A3):c.1249G>A (p.Glu417Lys)

Gene: SLC12A3 (solute carrier family 12 member 3; plus strand). Cytogenetic location: 16q13.
Variant type: single nucleotide variant.
Coding change: c.1249G>A on transcript NM_001126108.2 (MANE Select); coding-DNA position 1249, G replaced by A.
Protein change: p.Glu417Lys; replaces glutamic acid 417 with lysine.
Molecular consequence: missense variant.
Genome position (GRCh38, 1-based): chr16:56,879,141, G>A. VCF-style: chr16-56879141-G-A. GRCh37 (hg19) VCF-style: chr16-56913053-G-A.
Other names: c.1249G>A, p.Glu417Lys (NM_000339.3); c.1246G>A, p.Glu416Lys (NM_001126107.2); short protein forms E417K, E416K.
Identifiers: ClinVar variation 319899 (VCV000319899.16), dbSNP rs368455032, ClinGen allele CA8069407.